The following is an entry in ClinVar:

NM_005529.7(HSPG2):c.2987G>A (p.Arg996His)

Gene: HSPG2 (heparan sulfate proteoglycan 2; minus strand). Cytogenetic location: 1p36.12.
Variant type: single nucleotide variant.
Coding change: c.2987G>A on transcript NM_005529.7 (MANE Select); coding-DNA position 2987, G replaced by A.
Protein change: p.Arg996His; replaces arginine 996 with histidine.
Molecular consequence: missense variant.
Genome position (GRCh38, 1-based): chr1:21,876,245, C>T on the plus strand (G>A on the coding strand, the complement: HSPG2 is on the minus strand). VCF-style: chr1-21876245-C-T. GRCh37 (hg19) VCF-style: chr1-22202738-C-T.
Other names: c.2990G>A, p.Arg997His (NM_001291860.2); short protein forms R996H, R997H.
Identifiers: ClinVar variation 873828 (VCV000873828.12), dbSNP rs373895855, ClinGen allele CA672799.

ClinVar aggregate classification (germline): Uncertain significance. Review status: criteria provided, multiple submitters, no conflicts (2 of 4 stars). 6 submissions from 5 submitters: Uncertain significance (5). 1 of the submissions does not count toward it. Last evaluated 2022-06-23.

Conditions:
Lethal Kniest-like syndrome (DDSH). Also called: Dyssegmental Dysplasia. Identifiers: Orphanet 1865, MedGen C1857100, MONDO:0009140, OMIM 224410.
Schwartz-Jampel syndrome. Also called: Myotonic myopathy dwarfism chondrodystrophy and ocular and facial abnormalities. Identifiers: Orphanet 800, MedGen C0036391, MONDO:0009717.

Allele frequency attached by ClinVar (database versions not stated): TOPMed 0.00006; ESP Exome Variant Server 0.00008; gnomAD 0.00008 and 0.00009; 1000 Genomes Project 30x 0.00016; 1000 Genomes Project 0.00020; gnomAD exomes 0.00023; ExAC 0.00031.
gnomAD v4.1: 227 of 1,610,966 alleles (0.014%); highest among the groups gnomAD compares: Middle Eastern, 0.15%; no homozygotes.

Submissions (6):

Athena Diagnostics
Classification: Uncertain significance. Last evaluated: 2022-06-23. Review status: criteria provided, single submitter. Criteria: Athena Diagnostics Criteria. Collection method: clinical testing. Allele origin: unknown.

Labcorp Genetics (formerly Invitae), Labcorp
Classification: Uncertain significance. Last evaluated: 2022-06-20. Review status: criteria provided, single submitter. Criteria: Invitae Variant Classification Sherloc (09022015). Collection method: clinical testing. Allele origin: germline.
Comment: This sequence change replaces arginine, which is basic and polar, with histidine, which is basic and polar, at codon 996 of the HSPG2 protein (p.Arg996His). This variant is present in population databases (rs373895855, gnomAD 0.1%). This variant has not been reported in the literature in individuals affected with HSPG2-related conditions. ClinVar contains an entry for this variant (Variation ID: 873828). Algorithms developed to predict the effect of missense changes on protein structure and function output the following: SIFT: "Tolerated"; PolyPhen-2: "Benign"; Align-GVGD: "Class C0". The histidine amino acid residue is found in multiple mammalian species, which suggests that this missense change does not adversely affect protein function. In summary, the available evidence is currently insufficient to determine the role of this variant in disease. Therefore, it has been classified as a Variant of Uncertain Significance.

Revvity Omics, Revvity
Classification: Uncertain significance. Last evaluated: 2019-05-02. Review status: criteria provided, single submitter. Criteria: ACMG Guidelines, 2015. Collection method: clinical testing. Allele origin: germline.

Illumina Laboratory Services, Illumina
Classification: Uncertain significance for Lethal Kniest-like syndrome. Last evaluated: 2018-01-13. Review status: criteria provided, single submitter. Criteria: ICSL Variant Classification Criteria 13 December 2019. Collection method: clinical testing. Allele origin: germline.

Illumina Laboratory Services, Illumina
Classification: Uncertain significance for Schwartz-Jampel syndrome type 1. Last evaluated: 2018-01-13. Review status: criteria provided, single submitter. Criteria: ICSL Variant Classification Criteria 13 December 2019. Collection method: clinical testing. Allele origin: germline.

Department of Pathology and Laboratory Medicine, Sinai Health System
Classification: Uncertain significance. Review status: no assertion criteria provided. Collection method: clinical testing. Allele origin: unknown. Affected: yes. Study: The Canadian Open Genetics Repository (COGR). Not counted in ClinVar's aggregate classification.
Comment: The HSPG2 p.Arg997His variant was not identified in the literature nor was it identified in ClinVar, Cosmic or LOVD 3.0. The variant was identified in dbSNP (ID: rs373895855) and was also found in control databases in 58 of 274506 chromosomes at a frequency of 0.000211 (Genome Aggregation Database Feb 27, 2017). The variant was observed in the following populations: South Asian in 32 of 29730 chromosomes (freq: 0.001076), Ashkenazi Jewish in 6 of 10190 chromosomes (freq: 0.000589), African in 5 of 24224 chromosomes (freq: 0.000206), Latino in 4 of 34668 chromosomes (freq: 0.000115), European (non-Finnish) in 10 of 125250 chromosomes (freq: 0.00008) and East Asian in 1 of 19528 chromosomes (freq: 0.000051); it was not observed in the European (Finnish) and Other populations. The variant occurs outside of the splicing consensus sequence and in silico or computational prediction software programs (SpliceSiteFinder, MaxEntScan, NNSPLICE, GeneSplicer) do not predict a difference in splicing. The p.Arg997 residue is not conserved in mammals and four out of five computational analyses (PolyPhen-2, SIFT, AlignGVGD, BLOSUM) do not suggest a high likelihood of impact to the protein; however, this information is not predictive enough to rule out pathogenicity. In summary, based on the above information the clinical significance of this variant cannot be determined with certainty at this time. This variant is classified as a variant of uncertain significance.